The following is an entry in ClinVar:

ClinVar aggregate classification (germline): Pathogenic (1 of 4 stars; one submission).

Submission:

CeGaT Center for Human Genetics Tuebingen
Classification: Pathogenic. Last evaluated: 2025-02-01. Review status: criteria provided, single submitter. Criteria: CeGaT Center For Human Genetics Tuebingen Variant Classification Criteria Version 2. Collection method: clinical testing. Allele origin: germline. Affected: yes. Observed: 1 variant allele.
Comment: REEP1: PVS1, PM2

NM_001371279.1(REEP1):c.429_430dup (p.Leu144fs)

Gene: REEP1 (receptor accessory protein 1; minus strand). Cytogenetic location: 2p11.2.
Variant type: Duplication.
Coding change: c.429_430dup on transcript NM_001371279.1 (MANE Select); coding-DNA positions 429 to 430, 2 bases duplicated (CT; older notation c.429_430dupCT).
Protein change: p.Leu144fs; shifts the reading frame from leucine 144.
Molecular consequence: frameshift variant. On other transcripts: intron variant (1).
Genome position (GRCh38, 1-based): chr2:86,232,790-86,232,791, AG duplicated on the plus strand (CT on the coding strand, the reverse complement: REEP1 is on the minus strand). VCF-style (leftmost placement, unchanged base first): chr2-86232789-A-AAG. GRCh37 (hg19) VCF-style: chr2-86459912-A-AAG.
Other names: c.450_451dup, p.Leu151fs (NM_001164730.2); c.348_349dup, p.Leu117fs (NM_001164731.2); c.194_195dup, p.Tyr66fs (NM_001164732.2); c.429_430dup, p.Leu144fs (NM_001410855.1, NM_001410856.1, NM_022912.3); c.418-15681_418-15680dup (NM_001371280.1); short protein forms L117fs, L144fs, L151fs, Y66fs.
Identifiers: ClinVar variation 3772529 (VCV003772529.13).